The following is an entry in ClinVar:

NM_000202.8(IDS):c.401G>T (p.Gly134Val)

Gene: IDS (iduronate 2-sulfatase; minus strand). Cytogenetic location: Xq28.
Variant type: single nucleotide variant.
Coding change: c.401G>T on transcript NM_000202.8 (MANE Select); coding-DNA position 401, G replaced by T.
Protein change: p.Gly134Val; replaces glycine 134 with valine.
Molecular consequence: missense variant. On other transcripts: non-coding transcript variant (1).
Genome position (GRCh38, 1-based): chrX:149,503,329, C>A on the plus strand (G>T on the coding strand, the complement: IDS is on the minus strand). VCF-style: chrX-149503329-C-A. GRCh37 (hg19) VCF-style: chrX-148584859-C-A.
Other names: c.131G>T, p.Gly44Val (NM_001166550.4); c.401G>T, p.Gly134Val (NM_006123.5); short protein forms G134V, G44V.
Identifiers: ClinVar variation 3255700 (VCV003255700.2).

ClinVar aggregate classification (germline): Likely pathogenic (1 of 4 stars; one submission).

Conditions:
Mucopolysaccharidosis, MPS-II (MPS2). Also called: Hunter Syndrome; IDURONATE 2-SULFATASE DEFICIENCY; Mucopolysaccharidosis Type II; Mucopolysaccharidosis type 2; Attenuated MPS (subtype; formerly known as mild MPS II); Severe MPS II. Identifiers: Orphanet 580, Orphanet 79388, MedGen C0026705, MONDO:0010674, OMIM 309900.

Submission:

Laboratory of Diagnosis and Therapy of Lysosomal Disorders, University of Padova
Classification: Likely pathogenic for Mucopolysaccharidosis, MPS-II. Last evaluated: 2024-06-07. Review status: criteria provided, single submitter. Criteria: ACMG Guidelines, 2015. Collection method: literature only. Allele origin: germline. Affected: yes. Observed: 5 variant alleles.
Comment: Prevalence of the variant significantly increased in affected individuals compared with controls (PS4_Supporting), Absent from controls (or at low frequency) in gnomAD database (PM2_Moderate), Missense variant in a gene with a low rate of benign missense variation (PP2_Supporting), Multiple lines of computational evidence support a deleterious effect (PP3_Supporting), Patient’s phenotype or family history highly specific for the disease (PP4_Strong)

Classification method: ACMG Guidelines [PMID:25741868] with modifications

Literature cited by the submitters: PubMed 35005816; PubMed 28844463; PubMed 36945845.